The following is an entry in ClinVar:

ClinVar aggregate classification (germline): Likely benign. Review status: criteria provided, multiple submitters, no conflicts (2 of 4 stars). 2 submissions from 2 submitters: Likely benign (2). Last evaluated 2025-04-10.

gnomAD v4.1: 30 of 1,611,614 alleles (0.0019%); highest among the groups gnomAD compares: Middle Eastern, 0.017%; no homozygotes.

Submissions (2):

Labcorp Genetics (formerly Invitae), Labcorp
Classification: Likely benign. Last evaluated: 2025-04-10. Review status: criteria provided, single submitter. Criteria: Invitae Variant Classification Sherloc (09022015). Collection method: clinical testing. Allele origin: germline.

CeGaT Center for Human Genetics Tuebingen
Classification: Likely benign. Last evaluated: 2024-09-01. Review status: criteria provided, single submitter. Criteria: CeGaT Center For Human Genetics Tuebingen Variant Classification Criteria Version 2. Collection method: clinical testing. Allele origin: germline. Affected: yes. Observed: 1 variant allele.
Comment: HSPG2: BP4, BP7

NM_005529.7(HSPG2):c.3405G>A (p.Pro1135=)

Gene: HSPG2 (heparan sulfate proteoglycan 2; minus strand). Cytogenetic location: 1p36.12.
Variant type: single nucleotide variant.
Coding change: c.3405G>A on transcript NM_005529.7 (MANE Select); coding-DNA position 3405, G replaced by A.
Protein change: p.Pro1135=; no amino-acid change (proline 1135 retained).
Molecular consequence: synonymous variant.
Genome position (GRCh38, 1-based): chr1:21,874,900, C>T on the plus strand (G>A on the coding strand, the complement: HSPG2 is on the minus strand). VCF-style: chr1-21874900-C-T. GRCh37 (hg19) VCF-style: chr1-22201393-C-T.
Other names: c.3408G>A, p.Pro1136= (NM_001291860.2).
Identifiers: ClinVar variation 3388896 (VCV003388896.15).